The following is an entry in ClinVar:

ClinVar aggregate classification (germline): Uncertain significance. Review status: criteria provided, single submitter (1 of 4 stars). 2 submissions from 2 submitters: Uncertain significance (1). 1 of the submissions does not count toward it. Last evaluated 2024-04-01.

Conditions:
Prostate cancer. Also called: Malignant tumor of prostate. Identifiers: Orphanet 1331, MedGen C0376358, MONDO:0008315, HP:0012125.

Allele frequency attached by ClinVar (database versions not stated): gnomAD exomes 0.00015; 1000 Genomes Project 30x 0.00016; 1000 Genomes Project 0.00020; ExAC 0.00012; ESP Exome Variant Server 0.00023; TOPMed 0.00019.
gnomAD v4.1: 423 of 1,612,122 alleles (0.026%); highest among the groups gnomAD compares: Non-Finnish European, 0.033%; 1 homozygote.

Submissions (2):

Ambry Genetics
Classification: Uncertain significance. Last evaluated: 2024-04-01. Review status: criteria provided, single submitter. Criteria: Ambry Variant Classification Scheme 2023. Collection method: clinical testing. Allele origin: germline.

Science for Life laboratory,  Karolinska Institutet
Classification: Uncertain significance for Malignant tumor of prostate. Review status: no assertion criteria provided. Collection method: not provided. Allele origin: somatic. Not counted in ClinVar's aggregate classification.
Comment: TumorID:SWE-9
ClinVar note: Converted during submission from Unknown to Uncertain significance.

NM_005392.4(PHF2):c.2563G>A (p.Asp855Asn)

Gene: PHF2 (PHD finger protein 2; plus strand). Cytogenetic location: 9q22.31.
Variant type: single nucleotide variant.
Coding change: c.2563G>A on transcript NM_005392.4 (MANE Select); coding-DNA position 2563, G replaced by A.
Protein change: p.Asp855Asn; replaces aspartic acid 855 with asparagine.
Molecular consequence: missense variant.
Genome position (GRCh38, 1-based): chr9:93,673,799, G>A. VCF-style: chr9-93673799-G-A. GRCh37 (hg19) VCF-style: chr9-96436081-G-A.
Other names: short protein forms D855N.
Identifiers: ClinVar variation 161633 (VCV000161633.6), dbSNP rs193921057, ClinGen allele CA174498.